The following is an entry in ClinVar:

ClinVar aggregate classification (germline): Uncertain significance (1 of 4 stars; one submission).

Conditions:
CHARGE syndrome (CHARGE). Also called: Hittner Hirsch Kreh syndrome; CHARGE ASSOCIATION--COLOBOMA, HEART ANOMALY, CHOANAL ATRESIA, RETARDATION, GENITAL AND EAR ANOMALIES; Coloboma, heart anomaly, choanal atresia, retardation, genital and ear anomalies; CHARGE association; Hall-Hittner syndrome. Identifiers: Orphanet 138, MedGen C0265354, MONDO:0008965.

Submission:

Labcorp Genetics (formerly Invitae), Labcorp
Classification: Uncertain significance for CHARGE syndrome. Last evaluated: 2025-05-30. Review status: criteria provided, single submitter. Criteria: Invitae Variant Classification Sherloc (09022015). Collection method: clinical testing. Allele origin: germline.
Comment: This sequence change replaces valine, which is neutral and non-polar, with glutamic acid, which is acidic and polar, at codon 1558 of the CHD7 protein (p.Val1558Glu). This variant is not present in population databases (gnomAD no frequency). This variant has not been reported in the literature in individuals affected with CHD7-related conditions. Invitae Evidence Modeling of protein sequence and biophysical properties (such as structural, functional, and spatial information, amino acid conservation, physicochemical variation, residue mobility, and thermodynamic stability) has been performed for this missense variant. However, the output from this modeling did not meet the statistical confidence thresholds required to predict the impact of this variant on CHD7 protein function. In summary, the available evidence is currently insufficient to determine the role of this variant in disease. Therefore, it has been classified as a Variant of Uncertain Significance.

NM_017780.4(CHD7):c.4673T>A (p.Val1558Glu)

Gene: CHD7 (chromodomain helicase DNA binding protein 7; plus strand). Cytogenetic location: 8q12.2.
Variant type: single nucleotide variant.
Coding change: c.4673T>A on transcript NM_017780.4 (MANE Select); coding-DNA position 4673, T replaced by A.
Protein change: p.Val1558Glu; replaces valine 1558 with glutamic acid.
Molecular consequence: missense variant. On other transcripts: intron variant (1).
Genome position (GRCh38, 1-based): chr8:60,841,875, T>A. VCF-style: chr8-60841875-T-A. GRCh37 (hg19) VCF-style: chr8-61754434-T-A.
Other names: c.1717-20354T>A (NM_001316690.1); short protein forms V1558E.
Identifiers: ClinVar variation 4746298 (VCV004746298.1).